The following is an entry in ClinVar:

ClinVar aggregate classification (germline): Uncertain significance (1 of 4 stars; one submission).

Conditions:
Developmental and epileptic encephalopathy, 12 (DEE12). Identifiers: MedGen C3150988, MONDO:0013389, OMIM 613722.

Allele frequency attached by ClinVar (database versions not stated): gnomAD exomes below 0.00001.

Submission:

Labcorp Genetics (formerly Invitae), Labcorp
Classification: Uncertain significance for Developmental and epileptic encephalopathy, 12. Last evaluated: 2022-06-09. Review status: criteria provided, single submitter. Criteria: Invitae Variant Classification Sherloc (09022015). Collection method: clinical testing. Allele origin: germline.
Comment: This variant is not present in population databases (gnomAD no frequency). This sequence change replaces glycine, which is neutral and non-polar, with aspartic acid, which is acidic and polar, at codon 276 of the PNKP protein (p.Gly276Asp). This variant has not been reported in the literature in individuals affected with PNKP-related conditions. Algorithms developed to predict the effect of missense changes on protein structure and function output the following: SIFT: "Tolerated"; PolyPhen-2: "Benign"; Align-GVGD: "Class C0". The aspartic acid amino acid residue is found in multiple mammalian species, which suggests that this missense change does not adversely affect protein function. In summary, the available evidence is currently insufficient to determine the role of this variant in disease. Therefore, it has been classified as a Variant of Uncertain Significance.

NM_007254.4(PNKP):c.827G>A (p.Gly276Asp)

Gene: PNKP (polynucleotide kinase 3'-phosphatase; minus strand). Cytogenetic location: 19q13.33.
Variant type: single nucleotide variant.
Coding change: c.827G>A on transcript NM_007254.4 (MANE Select); coding-DNA position 827, G replaced by A.
Protein change: p.Gly276Asp; replaces glycine 276 with aspartic acid.
Molecular consequence: missense variant.
Genome position (GRCh38, 1-based): chr19:49,862,728, C>T on the plus strand (G>A on the coding strand, the complement: PNKP is on the minus strand). VCF-style: chr19-49862728-C-T. GRCh37 (hg19) VCF-style: chr19-50365985-C-T.
Other names: short protein forms G276D.
Identifiers: ClinVar variation 2119641 (VCV002119641.4), dbSNP rs2514637171, ClinGen allele CA406882430.